The following is an entry in ClinVar:

ClinVar aggregate classification (germline): Likely benign. Review status: criteria provided, multiple submitters, no conflicts (2 of 4 stars). 2 submissions from 2 submitters: Likely benign (2). Last evaluated 2018-01-13.

Conditions:
Autosomal recessive severe congenital neutropenia due to G6PC3 deficiency. Also called: NEUTROPENIA, SEVERE CONGENITAL, 4, AUTOSOMAL RECESSIVE; G6PC3 Deficiency. Identifiers: Orphanet 331176, MedGen C2751630, MONDO:0012930, OMIM 612541.

Allele frequency attached by ClinVar (database versions not stated): 1000 Genomes Project 30x 0.00312; ExAC 0.00123; TOPMed 0.00326; gnomAD exomes 0.00092 and 0.00060; gnomAD 0.00291 and 0.00305; 1000 Genomes Project 0.00339.
gnomAD v4.1: 788 of 676,064 alleles (0.12%); highest among the groups gnomAD compares: African/African-American, 0.89%; 2 homozygotes.

Submissions (2):

Illumina Laboratory Services, Illumina
Classification: Likely benign for Autosomal recessive severe congenital neutropenia due to G6PC3 deficiency. Last evaluated: 2018-01-13. Review status: criteria provided, single submitter. Criteria: ICSL Variant Classification Criteria 13 December 2019. Collection method: clinical testing. Allele origin: germline.
Comment: This variant was observed in the ICSL laboratory as part of a predisposition screen in an ostensibly healthy population. It had not been previously curated by ICSL or reported in the Human Gene Mutation Database (HGMD: prior to June 1st, 2018), and was therefore a candidate for classification through an automated scoring system. Utilizing variant allele frequency, disease prevalence and penetrance estimates, and inheritance mode, an automated score was calculated to assess if this variant is too frequent to cause the disease. Based on the score and internal cut-off values, a variant classified as likely benign is not then subjected to further curation. The score for this variant resulted in a classification of likely benign for this disease.

Breakthrough Genomics
Classification: Likely benign. Review status: criteria provided, single submitter. Criteria: ACMG Guidelines, 2015. Collection method: not provided. Allele origin: germline. Inheritance: Autosomal recessive inheritance. Affected: yes.

NM_138387.4(G6PC3):c.-194C>T

Gene: G6PC3 (glucose-6-phosphatase catalytic subunit 3; plus strand). Cytogenetic location: 17q21.31.
Variant type: single nucleotide variant.
Coding change: c.-194C>T on transcript NM_138387.4 (MANE Select); 194 bases upstream of the start codon, C replaced by T.
Molecular consequence: 5 prime UTR variant. On other transcripts: intron variant (1).
Genome position (GRCh38, 1-based): chr17:44,070,772, C>T. VCF-style: chr17-44070772-C-T. GRCh37 (hg19) VCF-style: chr17-42148140-C-T.
Other names: c.-598C>T (NM_001384165.1); c.-733C>T (NM_001384166.1); c.-723C>T (NM_001384167.1); c.-312+58C>T (NM_001384168.1).
Identifiers: ClinVar variation 323454 (VCV000323454.6), dbSNP rs28370440, ClinGen allele CA8595850.